The following is an entry in ClinVar:

NM_000059.4(BRCA2):c.7056T>C (p.Pro2352=)

Gene: BRCA2 (BRCA2 DNA repair associated; plus strand). Cytogenetic location: 13q13.1.
Variant type: single nucleotide variant.
Coding change: c.7056T>C on transcript NM_000059.4 (MANE Select); coding-DNA position 7056, T replaced by C.
Protein change: p.Pro2352=; no amino-acid change (proline 2352 retained).
Molecular consequence: synonymous variant.
Genome position (GRCh38, 1-based): chr13:32,354,909, T>C. VCF-style: chr13-32354909-T-C. GRCh37 (hg19) VCF-style: chr13-32929046-T-C.
Identifiers: ClinVar variation 427391 (VCV000427391.12), dbSNP rs276174888, ClinGen allele CA483439353.

ClinVar aggregate classification (germline): Likely benign. Review status: reviewed by expert panel (3 of 4 stars). 2 submissions from 2 submitters: Likely benign (1). 1 of the submissions does not count toward it. Last evaluated 2017-06-29.

Conditions:
Breast-ovarian cancer, familial, susceptibility to, 2 (BROVCA2). Also called: BRCA2 Hereditary Breast and Ovarian Cancer. Identifiers: Orphanet 145, MedGen C2675520, MONDO:0012933, OMIM 612555. Disease mechanism: loss of function.
Hereditary breast ovarian cancer syndrome. Also called: Hereditary breast and ovarian cancer syndrome; BRCA1- and BRCA2-Associated Hereditary Breast and Ovarian Cancer; Hereditary breast and/or ovarian cancer syndrome; Hereditary breast and ovarian cancer; Breast and ovarian cancer; Hereditary breast and ovarian cancer syndrome (HBOC). Identifiers: Orphanet 145, MedGen C0677776, MeSH D061325, MONDO:0003582. Disease mechanism: loss of function.

Submissions (2):

Evidence-based Network for the Interpretation of Germline Mutant Alleles (ENIGMA)
Classification: Likely benign for Breast-ovarian cancer, familial, susceptibility to, 2. Last evaluated: 2017-06-29. Review status: reviewed by expert panel. Criteria: ENIGMA BRCA1/2 Classification Criteria (2017-06-29). Collection method: curation. Allele origin: germline.
Comment: Synonymous substitution variant, with low bioinformatic likelihood to result in a splicing aberration (Splicing prior probability 0.02).

Labcorp Genetics (formerly Invitae), Labcorp
Classification: Likely benign for Hereditary breast ovarian cancer syndrome. Last evaluated: 2020-07-22. Review status: criteria provided, single submitter. Criteria: Invitae Variant Classification Sherloc (09022015). Collection method: clinical testing. Allele origin: germline. Not counted in ClinVar's aggregate classification.